The following is an entry in ClinVar:

NM_016263.4(FZR1):c.1264C>T (p.Gln422Ter)

Gene: FZR1 (fizzy and cell division cycle 20 related 1; plus strand). Cytogenetic location: 19p13.3.
Variant type: single nucleotide variant.
Coding change: c.1264C>T on transcript NM_016263.4 (MANE Select); coding-DNA position 1264, C replaced by T.
Protein change: p.Gln422Ter; replaces glutamine 422 with a stop codon.
Molecular consequence: nonsense.
Genome position (GRCh38, 1-based): chr19:3,533,315, C>T. VCF-style: chr19-3533315-C-T. GRCh37 (hg19) VCF-style: chr19-3533313-C-T.
Other names: c.997C>T, p.Gln333Ter (NM_001136197.1); c.1264C>T, p.Gln422Ter (NM_001136198.1); short protein forms Q422*, Q333*.
Identifiers: ClinVar variation 3781188 (VCV003781188.1).

ClinVar aggregate classification (germline): Uncertain significance (1 of 4 stars; one submission).

Submission:

GeneDx
Classification: Uncertain significance. Last evaluated: 2024-10-18. Review status: criteria provided, single submitter. Criteria: GeneDx Variant Classification Process June 2021. Collection method: clinical testing. Allele origin: germline. Affected: yes.
Comment: Nonsense variant predicted to result in protein truncation or nonsense mediated decay in a gene for which loss-of-function is not a known mechanism of disease; Not observed at significant frequency in large population cohorts (gnomAD); Has not been previously published as pathogenic or benign to our knowledge